The following is an entry in ClinVar:

ClinVar aggregate classification (germline): Uncertain significance (1 of 4 stars; one submission).

Allele frequency attached by ClinVar (database versions not stated): gnomAD exomes below 0.00001 and 0.00001; ExAC 0.00001; gnomAD 0.00003 and 0.00005; TOPMed 0.00004.

Submission:

Labcorp Genetics (formerly Invitae), Labcorp
Classification: Uncertain significance. Last evaluated: 2022-05-25. Review status: criteria provided, single submitter. Criteria: Invitae Variant Classification Sherloc (09022015). Collection method: clinical testing. Allele origin: germline.
Comment: This sequence change replaces methionine, which is neutral and non-polar, with threonine, which is neutral and polar, at codon 124 of the PLK4 protein (p.Met124Thr). This variant is present in population databases (rs763641345, gnomAD 0.02%). This variant has not been reported in the literature in individuals affected with PLK4-related conditions. ClinVar contains an entry for this variant (Variation ID: 1043113). Algorithms developed to predict the effect of missense changes on protein structure and function are either unavailable or do not agree on the potential impact of this missense change (SIFT: "Deleterious"; PolyPhen-2: "Possibly Damaging"; Align-GVGD: "Class C0"). In summary, the available evidence is currently insufficient to determine the role of this variant in disease. Therefore, it has been classified as a Variant of Uncertain Significance.

NM_014264.5(PLK4):c.371T>C (p.Met124Thr)

Gene: PLK4 (polo like kinase 4; plus strand). Cytogenetic location: 4q28.1.
Variant type: single nucleotide variant.
Coding change: c.371T>C on transcript NM_014264.5 (MANE Select); coding-DNA position 371, T replaced by C.
Protein change: p.Met124Thr; replaces methionine 124 with threonine.
Molecular consequence: missense variant.
Genome position (GRCh38, 1-based): chr4:127,885,741, T>C. VCF-style: chr4-127885741-T-C. GRCh37 (hg19) VCF-style: chr4-128806896-T-C.
Other names: c.275T>C, p.Met92Thr (NM_001190799.2); c.248T>C, p.Met83Thr (NM_001190801.2); short protein forms M124T, M83T, M92T.
Identifiers: ClinVar variation 1043113 (VCV001043113.2), dbSNP rs763641345, ClinGen allele CA3076569.